The following is an entry in ClinVar:

ClinVar aggregate classification (germline): Likely benign (1 of 4 stars; one submission).

Conditions:
FZR1-related condition.

gnomAD v4.1: 4,522 of 1,596,620 alleles (0.28%); highest among the groups gnomAD compares: Middle Eastern, 0.4%; 13 homozygotes.

Submission:

PreventionGenetics, part of Exact Sciences
Classification: Likely benign for FZR1-related condition. Last evaluated: 2025-06-19. Review status: criteria provided, single submitter. Criteria: ACMG Guidelines, 2015. Collection method: clinical testing. Allele origin: germline.
Comment: This variant is classified as likely benign based on ACMG/AMP sequence variant interpretation guidelines (Richards et al. 2015 PMID: 25741868, with internal and published modifications).

NM_016263.4(FZR1):c.471-10G>A

Gene: FZR1 (fizzy and cell division cycle 20 related 1; plus strand). Cytogenetic location: 19p13.3.
Variant type: single nucleotide variant.
Coding change: c.471-10G>A on transcript NM_016263.4 (MANE Select); 10 bases into the intron before coding-DNA position 471, G replaced by A.
Molecular consequence: intron variant.
Genome position (GRCh38, 1-based): chr19:3,527,621, G>A. VCF-style: chr19-3527621-G-A. GRCh37 (hg19) VCF-style: chr19-3527619-G-A.
Other names: c.471-10G>A (NM_001136198.1); c.387+1235G>A (NM_001136197.1).
Identifiers: ClinVar variation 4995237 (VCV004995237.1).